The following is an entry in ClinVar:

NM_023110.3(FGFR1):c.1981C>T (p.Arg661Ter)

Gene: FGFR1 (fibroblast growth factor receptor 1; minus strand). Cytogenetic location: 8p11.23.
Variant type: single nucleotide variant.
Coding change: c.1981C>T on transcript NM_023110.3 (MANE Select); coding-DNA position 1981, C replaced by T.
Protein change: p.Arg661Ter; replaces arginine 661 with a stop codon.
Molecular consequence: nonsense.
Genome position (GRCh38, 1-based): chr8:38,414,626, G>A on the plus strand (C>T on the coding strand, the complement: FGFR1 is on the minus strand). VCF-style: chr8-38414626-G-A. GRCh37 (hg19) VCF-style: chr8-38272144-G-A.
Other names: c.1975C>T, p.Arg659Ter (NM_001354367.2, NM_015850.4, NM_001174063.2 and 1 more transcripts); c.1702C>T, p.Arg568Ter (NM_001354368.2); c.1969C>T, p.Arg657Ter (NM_001354369.2); c.1708C>T, p.Arg570Ter (NM_001354370.2, NM_023106.3); c.1714C>T, p.Arg572Ter (NM_023105.3, NM_001174066.2); c.1951C>T, p.Arg651Ter (NM_001174064.2); c.2074C>T, p.Arg692Ter (NM_001174067.2); short protein forms R568*, R570*, R572*, R651*, R657*, R659*, R661*, R692*.
Identifiers: ClinVar variation 1335817 (VCV001335817.11), dbSNP rs776264072, ClinGen allele CA370729814.

ClinVar aggregate classification (germline): Pathogenic/Likely pathogenic. Review status: criteria provided, multiple submitters, no conflicts (2 of 4 stars). 6 submissions from 6 submitters: Pathogenic (5); Likely pathogenic (1). Last evaluated 2026-09-15.

Conditions:
FGFR1-related disorder. Also called: FGFR1-related condition; FGFR1-related disorders. Identifiers: MedGen CN380097.
Hypogonadotropic hypogonadism 2 with or without anosmia (HH2). Also called: FGFR1-Related GnRH Deficiency (Kallmann Syndrome 2); HYPOGONADOTROPIC HYPOGONADISM 2 WITHOUT ANOSMIA; HYPOGONADOTROPIC HYPOGONADISM 2 WITH OR WITHOUT ANOSMIA, SUSCEPTIBILITY TO; HYPOGONADOTROPIC HYPOGONADISM 2 WITHOUT ANOSMIA, SUSCEPTIBILITY TO. Identifiers: Orphanet 478, MedGen C1563720, MONDO:0007844, OMIM 147950. Disease mechanism: loss of function.
Pfeiffer syndrome (ACS5). Also called: ACS V. Identifiers: Orphanet 710, MedGen C0220658, MONDO:0007043, OMIM 101600.

Submissions (6):

GeneDx
Classification: Pathogenic. Last evaluated: 2026-09-15. Review status: criteria provided, single submitter. Criteria: GeneDx Variant Classification Process June 2021. Collection method: clinical testing. Allele origin: germline.
Comment: Nonsense variant predicted to result in protein truncation or nonsense mediated decay in a gene for which loss of function is a known mechanism of disease; Not observed at significant frequency in large population cohorts (gnomAD); This variant is associated with the following publications: (PMID: 25525159, 36531499, 17154279, 35133534, 37805574)

Labcorp Genetics (formerly Invitae), Labcorp
Classification: Pathogenic for Pfeiffer syndrome; Hypogonadotropic hypogonadism 2 with or without anosmia. Last evaluated: 2025-10-09. Review status: criteria provided, single submitter. Criteria: Invitae Variant Classification Sherloc (09022015). Collection method: clinical testing. Allele origin: germline.
Comment: This sequence change creates a premature translational stop signal (p.Arg661*) in the FGFR1 gene. It is expected to result in an absent or disrupted protein product. Loss-of-function variants in FGFR1 are known to be pathogenic (PMID: 12627230). This variant is not present in population databases (gnomAD no frequency). This premature translational stop signal has been observed in individual(s) with clinical features of Kallmann syndrome (PMID: 17154279). ClinVar contains an entry for this variant (Variation ID: 1335817). For these reasons, this variant has been classified as Pathogenic.

Women's Health and Genetics/Laboratory Corporation of America, LabCorp
Classification: Pathogenic for FGFR1-Related Disorders. Last evaluated: 2025-05-20. Review status: criteria provided, single submitter. Criteria: LabCorp Variant Classification Summary - May 2015. Collection method: clinical testing. Allele origin: germline.
Comment: Variant summary: FGFR1 c.1981C>T (p.Arg661X) results in a premature termination codon, predicted to cause a truncation of the encoded protein or absence of the protein due to nonsense mediated decay, which are commonly known mechanisms for disease. The variant was absent in 249354 control chromosomes. c.1981C>T has been observed in heterozygous individuals affected with Kallman syndrome (e.g. Dode_2007). These data indicate that the variant may be associated with disease. To our knowledge, no experimental evidence demonstrating an impact on protein function has been reported. The following publication has been ascertained in the context of this evaluation (PMID: 17154279). ClinVar contains an entry for this variant (Variation ID: 1335817). Based on the evidence outlined above, the variant was classified as pathogenic.

Blueprint Genetics
Classification: Pathogenic for FGFR1-related disorders. Last evaluated: 2024-06-10. Review status: criteria provided, single submitter. Criteria: ACMG Guidelines, 2015. Collection method: clinical testing. Allele origin: germline. Affected: yes. Observed: 1 variant allele.

Reproductive Endocrine Unit, Massachusetts General Hospital
Classification: Pathogenic for Hypogonadotropic hypogonadism 2 with or without anosmia. Last evaluated: 2023-05-04. Review status: criteria provided, single submitter. Criteria: ACMG Guidelines, 2015. Collection method: research. Allele origin: unknown. Affected: yes. Observed: 1 variant allele.
Comment: The variant NM_023110.2:c.1981C>T, p.(Arg661*) het has been classified as P1c based on the variant meeting the following ACMG Criteria: PVS1,PM2,PP1,PP3.

Baylor Genetics
Classification: Likely pathogenic for Hypogonadotropic hypogonadism 2 with or without anosmia. Last evaluated: 2022-04-04. Review status: criteria provided, single submitter. Criteria: ACMG Guidelines, 2015. Collection method: clinical testing. Allele origin: unknown.

Literature cited by the submitters: PubMed 12627230 (cited by Labcorp Genetics (formerly Invitae), Labcorp); PubMed 17154279 (cited by Labcorp Genetics (formerly Invitae), Labcorp and Women's Health and Genetics/Laboratory Corporation of America, LabCorp).